The following is an entry in ClinVar:

NM_001130987.2(DYSF):c.5642G>A (p.Gly1881Asp)

Gene: DYSF (dysferlin; plus strand). Cytogenetic location: 2p13.2.
Variant type: single nucleotide variant.
Coding change: c.5642G>A on transcript NM_001130987.2 (MANE Select); coding-DNA position 5642, G replaced by A.
Protein change: p.Gly1881Asp; replaces glycine 1881 with aspartic acid.
Molecular consequence: missense variant.
Genome position (GRCh38, 1-based): chr2:71,669,207, G>A. VCF-style: chr2-71669207-G-A. GRCh37 (hg19) VCF-style: chr2-71896337-G-A.
Other names: c.5528G>A, p.Gly1843Asp (NM_001130455.2); c.5483G>A, p.Gly1828Asp (NM_001130976.2); c.5546G>A, p.Gly1849Asp (NM_001130977.2); c.5588G>A, p.Gly1863Asp (NM_001130978.2); c.5618G>A, p.Gly1873Asp (NM_001130979.2); c.5576G>A, p.Gly1859Asp (NM_001130980.2); c.5639G>A, p.Gly1880Asp (NM_001130981.2); c.5621G>A, p.Gly1874Asp (NM_001130982.2); and 6 more; short protein forms G1828D, G1842D, G1881D, G1860D, G1863D, G1880D, G1843D, G1849D.
Identifiers: ClinVar variation 430739 (VCV000430739.3), dbSNP rs1131692158, ClinGen allele CA347223179.

ClinVar aggregate classification (germline): Likely pathogenic. Review status: criteria provided, single submitter (1 of 4 stars). 2 submissions from 2 submitters: Likely pathogenic (1). 1 of the submissions does not count toward it. Last evaluated 2025-01-23.

Conditions:
Autosomal recessive limb-girdle muscular dystrophy type 2B (LGMDR2). Also called: Limb-girdle muscular dystrophy, type 2B; MUSCULAR DYSTROPHY, LIMB-GIRDLE, AUTOSOMAL RECESSIVE 2; Limb-Girdle Muscular Dystrophy Type 2B (LGMD2B); MUSCULAR DYSTROPHY, LIMB-GIRDLE, TYPE 3. Identifiers: Orphanet 268, MedGen C1850889, MONDO:0009676, OMIM 253601.

Submissions (2):

Natera, Inc.
Classification: Likely pathogenic for Limb-girdle muscular dystrophy type 2B. Last evaluated: 2025-01-23. Review status: criteria provided, single submitter. Criteria: Natera Variant Classification Schema (03/2026). Collection method: clinical testing. Allele origin: germline.
Comment: The c.5525G>A variant in DYSF is a missense variant predicted to cause substitution of glycine to aspartic acid at amino acid 1842. This variant is rare in the general population with a frequency below the threshold expected for the associated phenotype(s). This variant has been observed in one or more individuals affected with the associated recessive disease, as either homozygous or compound heterozygous with a second variant (PMID: 34559919, 36319958, 37716854). Functional studies show that this variant may disrupt protein function (PMID: 17726045, 25312915). Computational prediction algorithms indicate this variant is likely to affect gene or protein function. Given the available evidence, this variant is classified as Likely Pathogenic.

Foundation for Research in Genetics and Endocrinology, FRIGE's Institute of Human Genetics
Classification: Pathogenic for Autosomal recessive limb-girdle muscular dystrophy type 2B. Last evaluated: 2017-05-29. Review status: no assertion criteria provided. Collection method: clinical testing. Allele origin: germline. Inheritance: Autosomal recessive inheritance. Affected: yes. Observed: 1 variant allele, 1 homozygote. Not counted in ClinVar's aggregate classification.
Comment: The observed variant is not reported in 1000 Genomes and ExAc databases. However, it is reported by Suzuki et al. in 2004. The dbSNP number of the observed variant is rs267599441. This variant is found to be pathogenic by Mutation Taster2, SIFT, Polyphen2 and LRT.

Literature cited by the submitters: PubMed 34559919 (cited by Natera, Inc.); PubMed 36319958 (cited by Natera, Inc.); PubMed 37716854 (cited by Natera, Inc.); PubMed 17726045 (cited by Natera, Inc.); PubMed 25312915 (cited by Natera, Inc.).